The following is an entry in ClinVar:

NC_000001.10:g.(?_156841395)_(156844438_?)del

Gene: NTRK1 (neurotrophic receptor tyrosine kinase 1; plus strand). Cytogenetic location: 1q23.1.
Variant type: Deletion.
Identifiers: ClinVar variation 3247640 (VCV003247640.1).

ClinVar aggregate classification (germline): Pathogenic (1 of 4 stars; one submission).

Conditions:
Hereditary insensitivity to pain with anhidrosis (CIPA). Also called: INSENSITIVITY TO PAIN, CONGENITAL, WITH ANHIDROSIS; HSAN Type IV; FAMILIAL DYSAUTONOMIA, TYPE II; NEUROPATHY, CONGENITAL SENSORY, WITH ANHIDROSIS; NTRK1 Congenital Insensitivity to Pain with Anhidrosis; hereditary sensory and autonomic neuropathy type 4. Identifiers: Orphanet 642, MedGen C0020074, MONDO:0009746, OMIM 256800.

Submission:

Labcorp Genetics (formerly Invitae), Labcorp
Classification: Pathogenic for Hereditary insensitivity to pain with anhidrosis. Last evaluated: 2023-02-08. Review status: criteria provided, single submitter. Criteria: Invitae Variant Classification Sherloc (09022015). Collection method: clinical testing. Allele origin: unknown.
Comment: This variant is a gross deletion of the genomic region encompassing exon(s) 7-9 of the NTRK1 gene. This variant would be expected to be in-frame, preserving the integrity of the reading frame. This variant has not been reported in the literature in individuals affected with NTRK1-related conditions. This variant disrupts a region of the NTRK1 protein in which other variant(s) (p.Leu346Pro) have been determined to be pathogenic (PMID: 29770739). This suggests that this is a clinically significant region of the protein, and that variants that disrupt it are likely to be disease-causing. For these reasons, this variant has been classified as Pathogenic.

Literature cited by the submitters: PubMed 29770739.